The following is an entry in ClinVar:

NM_014991.6(WDFY3):c.8109C>T (p.Ile2703=)

Gene: WDFY3 (WD repeat and FYVE domain containing 3; minus strand). Cytogenetic location: 4q21.23.
Variant type: single nucleotide variant.
Coding change: c.8109C>T on transcript NM_014991.6 (MANE Select); coding-DNA position 8109, C replaced by T.
Protein change: p.Ile2703=; no amino-acid change (isoleucine 2703 retained).
Molecular consequence: synonymous variant.
Genome position (GRCh38, 1-based): chr4:84,709,017, G>A on the plus strand (C>T on the coding strand, the complement: WDFY3 is on the minus strand). VCF-style: chr4-84709017-G-A. GRCh37 (hg19) VCF-style: chr4-85630170-G-A.
Identifiers: ClinVar variation 4681485 (VCV004681485.5).

ClinVar aggregate classification (germline): Likely benign (1 of 4 stars; one submission).

gnomAD v4.1: 454 of 1,613,776 alleles (0.028%); highest among the groups gnomAD compares: East Asian, 0.81%; 4 homozygotes.

Submission:

CeGaT Center for Human Genetics Tuebingen
Classification: Likely benign. Last evaluated: 2025-12-01. Review status: criteria provided, single submitter. Criteria: CeGaT Center For Human Genetics Tuebingen Variant Classification Criteria Version 2. Collection method: clinical testing. Allele origin: germline. Affected: yes. Observed: 1 variant allele.
Comment: WDFY3: BP4, BS1